The following is an entry in ClinVar:

NM_002458.3(MUC5B):c.10059G>A (p.Pro3353=)

Genes: MUC5B (mucin 5B, oligomeric mucus/gel-forming; plus strand), MUC5B-AS1 (MUC5B antisense RNA 1; minus strand). Cytogenetic location: 11p15.5.
Variant type: single nucleotide variant.
Coding change: c.10059G>A on transcript NM_002458.3 (MANE Select); coding-DNA position 10059, G replaced by A.
Protein change: p.Pro3353=; no amino-acid change (proline 3353 retained).
Molecular consequence: synonymous variant.
Genome position (GRCh38, 1-based): chr11:1,246,939, G>A. VCF-style: chr11-1246939-G-A. GRCh37 (hg19) VCF-style: chr11-1268169-G-A.
Identifiers: ClinVar variation 1050289 (VCV001050289.1), dbSNP rs555601780, ClinGen allele CA5807226.
Genomic context (GRCh38, chr11:1,246,939, plus strand): 5'-GATCAGCACAACCACCACACCCACAACCAGAGGCTCCACGGTGACCCCCTCCTCCATCCC[G>A]GGGACCACCCACACCGCCACAGTGCTGACCACCACCACCACAACTGTGGCCACTGGTTCT-3'
Protein context (NP_002449.2, residues 3343-3363): RGSTVTPSSI[Pro3353=]GTTHTATVLT

ClinVar aggregate classification (germline): Uncertain significance (0 of 4 stars; one submission).

Allele frequency attached by ClinVar (database versions not stated): gnomAD 0.00004 and 0.00005; gnomAD exomes 0.00005; TOPMed 0.00006; 1000 Genomes Project 30x 0.00016; 1000 Genomes Project 0.00020.
gnomAD v4.1: 77 of 1,607,122 alleles (0.0048%); highest among the groups gnomAD compares: Admixed American, 0.015%; no homozygotes.

Submission:

Department of Pathology and Laboratory Medicine, Sinai Health System
Classification: Uncertain significance. Review status: no assertion criteria provided. Collection method: clinical testing. Allele origin: unknown. Affected: yes. Study: The Canadian Open Genetics Repository (COGR).
Comment: The MUC5B p.Pro3353Pro variant was not identified in the literature nor was it identified in ClinVar. The variant was identified in dbSNP (ID: rs555601780). The variant was identified in control databases in 8 of 166550 chromosomes at a frequency of 0.00004803 (Genome Aggregation Database March 6, 2019, v2.1.1). The variant was observed in the following populations: Latino in 4 of 25250 chromosomes (freq: 0.000158), East Asian in 1 of 11106 chromosomes (freq: 0.00009), European (Finnish) in 1 of 15926 chromosomes (freq: 0.000063), European (non-Finnish) in 2 of 67908 chromosomes (freq: 0.000029), but was not observed in the African, Ashkenazi Jewish, Other, or South Asian populations. The p.Pro3353Pro variant is not expected to have clinical significance because it does not result in a change of amino acid and is not located in a known consensus splice site. The variant occurs outside of the splicing consensus sequence and 4 of 4 in silico or computational prediction software programs (SpliceSiteFinder, MaxEntScan, NNSPLICE, GeneSplicer) predict a greater than 10% difference in splicing. However, this information is not predictive enough to assume pathogenicity. In summary, based on the above information the clinical significance of this variant cannot be determined with certainty at this time. This variant is classified as a variant of uncertain significance.